The following is an entry in ClinVar:

NM_000092.5(COL4A4):c.3101C>A (p.Ser1034Ter)

Gene: COL4A4 (collagen type IV alpha 4 chain; minus strand). Cytogenetic location: 2q36.3.
Variant type: single nucleotide variant.
Coding change: c.3101C>A on transcript NM_000092.5 (MANE Select); coding-DNA position 3101, C replaced by A.
Protein change: p.Ser1034Ter; replaces serine 1034 with a stop codon.
Molecular consequence: nonsense.
Genome position (GRCh38, 1-based): chr2:227,051,026, G>T on the plus strand (C>A on the coding strand, the complement: COL4A4 is on the minus strand). VCF-style: chr2-227051026-G-T. GRCh37 (hg19) VCF-style: chr2-227915742-G-T.
Other names: short protein forms S1034*.
Identifiers: ClinVar variation 691799 (VCV000691799.2), dbSNP rs1576129421, ClinGen allele CA350839031.

ClinVar aggregate classification (germline): Pathogenic. Review status: criteria provided, single submitter (1 of 4 stars). 2 submissions from 2 submitters: Pathogenic (1). 1 of the submissions does not count toward it. Last evaluated 2024-05-08.

Conditions:
Alport syndrome. Also called: Hemorrhagic familial nephritis; Hemorrhagic hereditary nephritis; Congenital hereditary hematuria. Identifiers: Orphanet 63, MedGen C1567741, MONDO:0018965.
Autosomal dominant Alport syndrome (ATS3A). Also called: ALPORT SYNDROME 3A, AUTOSOMAL DOMINANT; Alport syndrome dominant type; Renal failure and sensorineural hearing loss. Identifiers: Orphanet 63, Orphanet 88918, MedGen C5882663, MONDO:0007086, OMIM 104200.

Submissions (2):

Myriad Genetics, Inc.
Classification: Pathogenic for Alport syndrome. Last evaluated: 2024-05-08. Review status: criteria provided, single submitter. Criteria: Myriad Autosomal Dominant, Autosomal Recessive and X-Linked Classification Criteria (2023). Collection method: clinical testing. Allele origin: unknown.
Comment: NM_000092.4(COL4A4):c.3101C>A(S1034*) is expected to be pathogenic in the context of Alport syndrome, COL4A4-related. This variant is predicted to lead to an abnormal or absent protein product due to the creation of a premature termination codon in COL4A4, a gene where loss-of-function variants are known to be pathogenic. Please note: this variant was assessed in the context of healthy population screening.

Institute of Human Genetics, Cologne University
Classification: Likely pathogenic for Autosomal dominant Alport syndrome. Review status: no assertion criteria provided. Collection method: clinical testing. Allele origin: germline. Affected: yes. Observed: 1 heterozygote. Not counted in ClinVar's aggregate classification.